The following is an entry in ClinVar:

ClinVar aggregate classification (germline): Pathogenic (1 of 4 stars; one submission).

Submission:

Labcorp Genetics (formerly Invitae), Labcorp
Classification: Pathogenic. Last evaluated: 2022-08-23. Review status: criteria provided, single submitter. Criteria: Invitae Variant Classification Sherloc (09022015). Collection method: clinical testing. Allele origin: germline.
Comment: This variant has not been reported in the literature in individuals affected with CWC27-related conditions. For these reasons, this variant has been classified as Pathogenic. This variant is not present in population databases (gnomAD no frequency). This sequence change creates a premature translational stop signal (p.Glu277*) in the CWC27 gene. It is expected to result in an absent or disrupted protein product. Loss-of-function variants in CWC27 are known to be pathogenic (PMID: 28285769).

Literature cited by the submitters: PubMed 28285769.

NM_005869.4(CWC27):c.829G>T (p.Glu277Ter)

Gene: CWC27 (CWC27 spliceosome associated cyclophilin; plus strand). Cytogenetic location: 5q12.3.
Variant type: single nucleotide variant.
Coding change: c.829G>T on transcript NM_005869.4 (MANE Select); coding-DNA position 829, G replaced by T.
Protein change: p.Glu277Ter; replaces glutamic acid 277 with a stop codon.
Molecular consequence: nonsense.
Genome position (GRCh38, 1-based): chr5:64,804,277, G>T. VCF-style: chr5-64804277-G-T. GRCh37 (hg19) VCF-style: chr5-64100104-G-T.
Other names: c.829G>T, p.Glu277Ter (NM_001297644.1, NM_001297645.2, NM_001318000.2 and 1 more transcripts); short protein forms E277*.
Identifiers: ClinVar variation 2023736 (VCV002023736.4), dbSNP rs1744583469, ClinGen allele CA359833368.